The following is an entry in ClinVar:

NM_006734.4(HIVEP2):c.2287C>A (p.Pro763Thr)

Gene: HIVEP2 (HIVEP zinc finger 2; minus strand). Cytogenetic location: 6q24.2.
Variant type: single nucleotide variant.
Coding change: c.2287C>A on transcript NM_006734.4 (MANE Select); coding-DNA position 2287, C replaced by A.
Protein change: p.Pro763Thr; replaces proline 763 with threonine.
Molecular consequence: missense variant.
Genome position (GRCh38, 1-based): chr6:142,772,452, G>T on the plus strand (C>A on the coding strand, the complement: HIVEP2 is on the minus strand). VCF-style: chr6-142772452-G-T. GRCh37 (hg19) VCF-style: chr6-143093589-G-T.
Other names: short protein forms P763T.
Identifiers: ClinVar variation 3662395 (VCV003662395.2).

ClinVar aggregate classification (germline): Uncertain significance (1 of 4 stars; one submission).

Submission:

Labcorp Genetics (formerly Invitae), Labcorp
Classification: Uncertain significance. Last evaluated: 2024-08-31. Review status: criteria provided, single submitter. Criteria: Invitae Variant Classification Sherloc (09022015). Collection method: clinical testing. Allele origin: germline.
Comment: This sequence change replaces proline, which is neutral and non-polar, with threonine, which is neutral and polar, at codon 763 of the HIVEP2 protein (p.Pro763Thr). This variant is not present in population databases (gnomAD no frequency). This variant has not been reported in the literature in individuals affected with HIVEP2-related conditions. An algorithm developed to predict the effect of missense changes on protein structure and function (PolyPhen-2) suggests that this variant is likely to be tolerated. In summary, the available evidence is currently insufficient to determine the role of this variant in disease. Therefore, it has been classified as a Variant of Uncertain Significance.